The following is an entry in ClinVar:

ClinVar aggregate classification (germline): Uncertain significance. Review status: criteria provided, multiple submitters, no conflicts (2 of 4 stars). 3 submissions from 3 submitters: Uncertain significance (3). Last evaluated 2025-05-05.

Conditions:
NOTCH2-related disorder. Also called: NOTCH2-related condition.
Inborn genetic diseases. Identifiers: MedGen C0950123, MeSH D030342.
Hajdu-Cheney syndrome (HJCYS). Also called: ACROOSTEOLYSIS WITH OSTEOPOROSIS AND CHANGES IN SKULL AND MANDIBLE; Acroosteolysis dominant type; SERPENTINE FIBULA-POLYCYSTIC KIDNEY SYNDROME. Identifiers: Orphanet 955, MedGen C0917715, MONDO:0007057, OMIM 102500.

Allele frequency attached by ClinVar (database versions not stated): gnomAD 0.00001; gnomAD exomes 0.00001; TOPMed 0.00002.
gnomAD v4.1: 11 of 1,613,892 alleles (0.00068%); highest among the groups gnomAD compares: East Asian, 0.0022%; no homozygotes.

Submissions (3):

PreventionGenetics, part of Exact Sciences
Classification: Uncertain significance for NOTCH2-related condition. Last evaluated: 2025-05-05. Review status: criteria provided, single submitter. Criteria: ACMG Guidelines, 2015. Collection method: clinical testing. Allele origin: germline.
Comment: The NOTCH2 c.5470C>T variant is predicted to result in the amino acid substitution p.Arg1824Cys. To our knowledge, this variant has not been reported in the literature. This variant is reported in 0.00088% of alleles in individuals of European (non-Finnish) descent in gnomAD. At this time, the clinical significance of this variant is uncertain due to the absence of conclusive functional and genetic evidence.

Ambry Genetics
Classification: Uncertain significance for Inborn genetic diseases. Last evaluated: 2025-04-06. Review status: criteria provided, single submitter. Criteria: Ambry Variant Classification Scheme 2023. Collection method: clinical testing. Allele origin: germline.

Labcorp Genetics (formerly Invitae), Labcorp
Classification: Uncertain significance for Hajdu-Cheney syndrome. Last evaluated: 2025-01-20. Review status: criteria provided, single submitter. Criteria: Invitae Variant Classification Sherloc (09022015). Collection method: clinical testing. Allele origin: germline.
Comment: This sequence change replaces arginine, which is basic and polar, with cysteine, which is neutral and slightly polar, at codon 1824 of the NOTCH2 protein (p.Arg1824Cys). This variant is present in population databases (no rsID available, gnomAD 0.0009%). This variant has not been reported in the literature in individuals affected with NOTCH2-related conditions. ClinVar contains an entry for this variant (Variation ID: 2180719). Invitae Evidence Modeling of protein sequence and biophysical properties (such as structural, functional, and spatial information, amino acid conservation, physicochemical variation, residue mobility, and thermodynamic stability) has been performed for this missense variant. However, the output from this modeling did not meet the statistical confidence thresholds required to predict the impact of this variant on NOTCH2 protein function. In summary, the available evidence is currently insufficient to determine the role of this variant in disease. Therefore, it has been classified as a Variant of Uncertain Significance.

NM_024408.4(NOTCH2):c.5470C>T (p.Arg1824Cys)

Gene: NOTCH2 (notch receptor 2; minus strand). Cytogenetic location: 1p12.
Variant type: single nucleotide variant.
Coding change: c.5470C>T on transcript NM_024408.4 (MANE Select); coding-DNA position 5470, C replaced by T.
Protein change: p.Arg1824Cys; replaces arginine 1824 with cysteine.
Molecular consequence: missense variant.
Genome position (GRCh38, 1-based): chr1:119,920,238, G>A on the plus strand (C>T on the coding strand, the complement: NOTCH2 is on the minus strand). VCF-style: chr1-119920238-G-A. GRCh37 (hg19) VCF-style: chr1-120462861-G-A.
Other names: c.5470C>T (NM_024408.3); short protein forms R1824C.
Identifiers: ClinVar variation 2180719 (VCV002180719.9), dbSNP rs1392588923, ClinGen allele CA341885287.
Genomic context (GRCh38, chr1:119,920,238, plus strand): 5'-AACCATGGGCAGACACAGCCCAGTGAAGAGGGGAAGAGGCCCGGTGCTGACCTGGGCCAC[G>A]GACATTCACATCTAACACATCCACCTCCTGCTCTGCCTGAGGAGGGGTGAGAGCCAGCGA-3'
Protein context (NP_077719.2, residues 1814-1834): QEVDVLDVNV[Arg1824Cys]GPDGCTPLML